The following is an entry in ClinVar:

ClinVar aggregate classification (germline): Pathogenic (1 of 4 stars; one submission).

Conditions:
Familial X-linked hypophosphatemic vitamin D refractory rickets (XLHRD). Also called: X-Linked Hypophosphatemia; Hypophosphatemic Rickets, X-Linked Dominant; Hypophosphatemia, vitamin D-resistant rickets; Vitamin D-resistant rickets, X-linked; HYPOPHOSPHATEMIC VITAMIN D-RESISTANT RICKETS. Identifiers: Orphanet 89936, MedGen C0733682, MONDO:0010619, OMIM 307800.

Submission:

Women's Health and Genetics/Laboratory Corporation of America, LabCorp
Classification: Pathogenic for Familial X-linked hypophosphatemic vitamin D refractory rickets. Last evaluated: 2024-11-25. Review status: criteria provided, single submitter. Criteria: LabCorp Variant Classification Summary - May 2015. Collection method: clinical testing. Allele origin: germline.
Comment: Variant summary: The variant involves the deletion of exon 20 in the PHEX gene. A presumed nomenclature of c.(1965+1_1966-1)_(2070+1_2071-1)del has been designated for the purposes of this classification. This Copy Number Variant (CNV) is predicted to result in an in-frame deletion within this gene. The variant was absent in 125152 control chromosomes in the gnomAD database (Structural Variants v4.1 dataset). c.(1965+1_1966-1)_(2070+1_2071-1)del has been reported in the literature in individual(s) affected with X-Linked Hypophosphatemic Rickets (Sarafrazi_2022). To our knowledge, no experimental evidence demonstrating an impact on protein function has been reported. However, multiple missense variants have been reported in the deleted region in affected individuals (HGMD), and been classified as pathogenic in ClinVar. The following publication have been ascertained in the context of this evaluation (PMID: 34806794). ClinVar contains an entry for this variant (Variation ID: 1510235). Based on the evidence outlined above, the variant was classified as pathogenic.

Literature cited by the submitters: PubMed 34806794.

NC_000023.10:g.(22244626_22245623)_(22245729_22263449)del

Gene: PHEX (phosphate regulating endopeptidase X-linked; plus strand). Cytogenetic location: Xp22.11.
Variant type: Deletion.
Identifiers: ClinVar variation 3629577 (VCV003629577.2).